The following is an entry in ClinVar:

ClinVar aggregate classification (germline): Uncertain significance (0 of 4 stars; one submission).

Conditions:
NRP2-related disorder. Also called: NRP2-related condition.

Allele frequency attached by ClinVar (database versions not stated): gnomAD 0.00012; TOPMed 0.00014; ExAC 0.00017; ESP Exome Variant Server 0.00023.
gnomAD v4.1: 276 of 1,614,018 alleles (0.017%); highest among the groups gnomAD compares: East Asian, 0.022%; 1 homozygote.

Submission:

PreventionGenetics, part of Exact Sciences
Classification: Uncertain significance for NRP2-related condition. Last evaluated: 2024-08-18. Review status: no assertion criteria provided. Collection method: clinical testing. Allele origin: germline.
Comment: The NRP2 c.1412G>A variant is predicted to result in the amino acid substitution p.Arg471His. This variant has been reported in an individual with first branchial cleft anomaly (Yang et al. 2021. PubMed ID: 34589676). This variant is reported in 0.050% of alleles in individuals of East Asian descent in gnomAD. At this time, the clinical significance of this variant is uncertain due to the absence of conclusive functional and genetic evidence.

NM_003872.3(NRP2):c.1412G>A (p.Arg471His)

Gene: NRP2 (neuropilin 2; plus strand). Cytogenetic location: 2q33.3.
Variant type: single nucleotide variant.
Coding change: c.1412G>A on transcript NM_003872.3 (MANE Select); coding-DNA position 1412, G replaced by A.
Protein change: p.Arg471His; replaces arginine 471 with histidine.
Molecular consequence: missense variant.
Genome position (GRCh38, 1-based): chr2:205,743,323, G>A. VCF-style: chr2-205743323-G-A. GRCh37 (hg19) VCF-style: chr2-206608047-G-A.
Other names: c.1412G>A, p.Arg471His (NM_018534.4, NM_201264.2, NM_201266.2 and 2 more transcripts); short protein forms R471H.
Identifiers: ClinVar variation 2635959 (VCV002635959.3), dbSNP rs149849497, ClinGen allele CA2069095.